The following is an entry in ClinVar:

NM_014055.4(IFT81):c.697-1G>T

Gene: IFT81 (intraflagellar transport 81; plus strand). Cytogenetic location: 12q24.11.
Variant type: single nucleotide variant.
Coding change: c.697-1G>T on transcript NM_014055.4 (MANE Select); the canonical splice acceptor site of the intron before coding-DNA position 697, G replaced by T.
Molecular consequence: splice acceptor variant.
Genome position (GRCh38, 1-based): chr12:110,136,775, G>T. VCF-style: chr12-110136775-G-T. GRCh37 (hg19) VCF-style: chr12-110574580-G-T.
Other names: c.-70-1G>T (NM_001347948.2, NM_001347947.2); c.697-1G>T (NM_001143779.2, NM_031473.4, NM_001347946.2).
Identifiers: ClinVar variation 1525614 (VCV001525614.8), dbSNP rs775681854, ClinGen allele CA6783167.

ClinVar aggregate classification (germline): Likely pathogenic (1 of 4 stars; one submission).

gnomAD v4.1: 3 of 1,593,098 alleles (0.00019%); highest among the groups gnomAD compares: Admixed American, 0.0051%; no homozygotes.

Submission:

Labcorp Genetics (formerly Invitae), Labcorp
Classification: Likely pathogenic. Last evaluated: 2021-03-18. Review status: criteria provided, single submitter. Criteria: Invitae Variant Classification Sherloc (09022015). Collection method: clinical testing. Allele origin: germline.
Comment: In summary, the currently available evidence indicates that the variant is pathogenic, but additional data are needed to prove that conclusively. Therefore, this variant has been classified as Likely Pathogenic. Algorithms developed to predict the effect of sequence changes on RNA splicing suggest that this variant may disrupt the consensus splice site, but this prediction has not been confirmed by published transcriptional studies. This variant has not been reported in the literature in individuals with IFT81-related conditions. This variant is present in population databases (rs775681854, ExAC 0.02%). This sequence change affects an acceptor splice site in intron 7 of the IFT81 gene. It is expected to disrupt RNA splicing. Variants that disrupt the donor or acceptor splice site typically lead to a loss of protein function (PMID: 16199547), and loss-of-function variants in IFT81 are known to be pathogenic (PMID: 26275418, 27666822).

Literature cited by the submitters: PubMed 16199547; PubMed 26275418; PubMed 27666822.